The following is an entry in ClinVar:

NM_000059.4(BRCA2):c.7237_7240del (p.Lys2413fs)

Gene: BRCA2 (BRCA2 DNA repair associated; plus strand). Cytogenetic location: 13q13.1.
Variant type: Deletion.
Coding change: c.7237_7240del on transcript NM_000059.4 (MANE Select); coding-DNA positions 7237 to 7240, 4 bases deleted (AAAT; older notation c.7237_7240delAAAT).
Protein change: p.Lys2413fs; shifts the reading frame from lysine 2413.
Molecular consequence: frameshift variant.
Genome position (GRCh38, 1-based): chr13:32,355,090-32,355,093, AAAT deleted; deleting any 4 consecutive bases within chr13:32,355,089-32,355,093 gives the same sequence; the c. name uses the placement nearest the transcript's 3' end. VCF-style (leftmost placement, unchanged base first): chr13-32355088-CTAAA-C. GRCh37 (hg19) VCF-style: chr13-32929225-CTAAA-C.
Other names: c.7237_7240delAAAT (NM_000059.3); short protein forms K2413fs.
Identifiers: ClinVar variation 569486 (VCV000569486.9), dbSNP rs1566241033, ClinGen allele CA891844183.

ClinVar aggregate classification (germline): Pathogenic/Likely pathogenic. Review status: criteria provided, multiple submitters, no conflicts (2 of 4 stars). 3 submissions from 3 submitters: Pathogenic (2); Likely pathogenic (1). Last evaluated 2025-07-22.

Conditions:
Hereditary cancer-predisposing syndrome. Also called: Hereditary neoplastic syndrome; Tumor predisposition; Neoplastic Syndromes, Hereditary; Hereditary Cancer Syndrome. Identifiers: Orphanet 140162, MedGen C0027672, MeSH D009386, MONDO:0015356.
Hereditary breast ovarian cancer syndrome. Also called: Hereditary breast and ovarian cancer syndrome; Breast and ovarian cancer; Hereditary breast and ovarian cancer; Hereditary breast and/or ovarian cancer syndrome; Hereditary breast and ovarian cancer syndrome (HBOC); BRCA1- and BRCA2-Associated Hereditary Breast and Ovarian Cancer. Identifiers: Orphanet 145, MedGen C0677776, MeSH D061325, MONDO:0003582. Disease mechanism: loss of function.
Familial cancer of breast. Also called: hereditary breast carcinoma; BREAST CANCER, FAMILIAL; Hereditary breast cancer. Identifiers: Orphanet 227535, MedGen C0346153, MONDO:0016419, OMIM 114480. Disease mechanism: loss of function.

Submissions (3):

Ambry Genetics
Classification: Pathogenic for Hereditary cancer-predisposing syndrome. Last evaluated: 2025-07-22. Review status: criteria provided, single submitter. Criteria: Ambry Variant Classification Scheme 2023. Collection method: clinical testing. Allele origin: germline.
Comment: The c.7237_7240delAAAT pathogenic mutation, located in coding exon 13 of the BRCA2 gene, results from a deletion of 4 nucleotides at nucleotide positions 7237 to 7240, causing a translational frameshift with a predicted alternate stop codon (p.K2413Hfs*55). This variant is considered to be rare based on population cohorts in the Genome Aggregation Database (gnomAD). This alteration is expected to result in loss of function by premature protein truncation or nonsense-mediated mRNA decay. As such, this alteration is interpreted as a disease-causing mutation.

Baylor Genetics
Classification: Likely pathogenic for Familial cancer of breast. Last evaluated: 2021-05-12. Review status: criteria provided, single submitter. Criteria: ACMG Guidelines, 2015. Collection method: clinical testing. Allele origin: unknown.

Labcorp Genetics (formerly Invitae), Labcorp
Classification: Pathogenic for Hereditary breast ovarian cancer syndrome. Last evaluated: 2020-08-21. Review status: criteria provided, single submitter. Criteria: Invitae Variant Classification Sherloc (09022015). Collection method: clinical testing. Allele origin: germline.
Comment: For these reasons, this variant has been classified as Pathogenic. Loss-of-function variants in BRCA2 are known to be pathogenic (PMID: 20104584). This variant has not been reported in the literature in individuals with BRCA2-related disease. This variant is not present in population databases (ExAC no frequency). This sequence change creates a premature translational stop signal (p.Lys2413Hisfs*55) in the BRCA2 gene. It is expected to result in an absent or disrupted protein product.

Literature cited by the submitters: PubMed 20104584 (cited by Labcorp Genetics (formerly Invitae), Labcorp).